The following is an entry in ClinVar:

ClinVar aggregate classification (germline): Likely benign (1 of 4 stars; one submission).

Submission:

CeGaT Center for Human Genetics Tuebingen
Classification: Likely benign. Last evaluated: 2026-04-01. Review status: criteria provided, single submitter. Criteria: CeGaT Center For Human Genetics Tuebingen Variant Classification Criteria Version 2. Collection method: clinical testing. Allele origin: germline. Affected: yes. Observed: 1 variant allele.
Comment: MAPKBP1: PM2:Supporting, BP4, BP7

NM_014994.3(MAPKBP1):c.3714T>A (p.Pro1238=)

Gene: MAPKBP1 (mitogen-activated protein kinase binding protein 1; plus strand). Cytogenetic location: 15q15.1.
Variant type: single nucleotide variant.
Coding change: c.3714T>A on transcript NM_014994.3 (MANE Select); coding-DNA position 3714, T replaced by A.
Protein change: p.Pro1238=; no amino-acid change (proline 1238 retained).
Molecular consequence: synonymous variant. On other transcripts: non-coding transcript variant (2), intron variant (1).
Genome position (GRCh38, 1-based): chr15:41,823,562, T>A. VCF-style: chr15-41823562-T-A. GRCh37 (hg19) VCF-style: chr15-42115760-T-A.
Other names: c.3732T>A, p.Pro1244= (NM_001128608.2); c.3382+556T>A (NM_001265611.2).
Identifiers: ClinVar variation 4874436 (VCV004874436.2).